The following is an entry in ClinVar:

ClinVar aggregate classification (germline): Uncertain significance (1 of 4 stars; one submission).

Conditions:
Hereditary cancer-predisposing syndrome. Also called: Hereditary neoplastic syndrome; Neoplastic Syndromes, Hereditary; Tumor predisposition; Hereditary Cancer Syndrome. Identifiers: Orphanet 140162, MedGen C0027672, MeSH D009386, MONDO:0015356.

Submission:

Ambry Genetics
Classification: Uncertain significance for Hereditary cancer-predisposing syndrome. Last evaluated: 2025-08-27. Review status: criteria provided, single submitter. Criteria: Ambry Variant Classification Scheme 2023. Collection method: clinical testing. Allele origin: germline.
Comment: The p.A20P variant (also known as c.58G>C), located in coding exon 2 of the MUTYH gene, results from a G to C substitution at nucleotide position 58. The alanine at codon 20 is replaced by proline, an amino acid with highly similar properties. This amino acid position is conserved. In addition, this alteration is predicted to be tolerated by in silico analysis. Based on the available evidence, the clinical significance of this variant remains unclear.

NM_001048174.2(MUTYH):c.16G>C (p.Ala6Pro)

Gene: MUTYH (mutY DNA glycosylase; minus strand). Cytogenetic location: 1p34.1.
Variant type: single nucleotide variant.
Coding change: c.16G>C on transcript NM_001048174.2 (MANE Select); coding-DNA position 16, G replaced by C.
Protein change: p.Ala6Pro; replaces alanine 6 with proline.
Molecular consequence: missense variant. On other transcripts: 5 prime UTR variant (7), non-coding transcript variant (7).
Genome position (GRCh38, 1-based): chr1:45,334,490, C>G on the plus strand (G>C on the coding strand, the complement: MUTYH is on the minus strand). VCF-style: chr1-45334490-C-G. GRCh37 (hg19) VCF-style: chr1-45800162-C-G.
Other names: c.16G>C, p.Ala6Pro (NM_001407088.1, NM_001407089.1, NM_001048171.2 and 15 more transcripts); c.-197G>C (NM_001407091.1, NM_001293192.2, NM_001293196.2); c.58G>C, p.Ala20Pro (NM_012222.3, NM_001128425.2, NM_001293190.2 and 2 more transcripts); c.-256G>C (NM_001350650.2); c.-192G>C (NM_001350651.2, NM_001407082.1); c.-141G>C (NM_001407075.1); c.34G>C, p.Ala12Pro (NM_001407087.1); short protein forms A12P, A20P, A6P.
Identifiers: ClinVar variation 4113745 (VCV004113745.1).
Genomic context (GRCh38, chr1:45,334,490, plus strand): 5'-CATGCTTCTGCCTCCCTTCCTGGCTGGCTGCCTGCTTCCTGTGACCACTTCCCACGGCTG[C>G]TCGTGGCTTCCTCATGATGGCCTGAAACAAAAAGACCCAGCCAAAGCAGTCAGTCACAAT-3'
Protein context (NP_001041639.1, residues 1-16): MRKPR[Ala6Pro]AVGSGHRKQA